The following is an entry in ClinVar:

NM_182914.3(SYNE2):c.11931A>G (p.Ile3977Met)

Gene: SYNE2 (spectrin repeat containing nuclear envelope protein 2; plus strand). Cytogenetic location: 14q23.2.
Variant type: single nucleotide variant.
Coding change: c.11931A>G on transcript NM_182914.3 (MANE Select); coding-DNA position 11931, A replaced by G.
Protein change: p.Ile3977Met; replaces isoleucine 3977 with methionine.
Molecular consequence: missense variant.
Genome position (GRCh38, 1-based): chr14:64,091,003, A>G. VCF-style: chr14-64091003-A-G. GRCh37 (hg19) VCF-style: chr14-64557721-A-G.
Other names: c.11931A>G, p.Ile3977Met (NM_015180.6); short protein forms I3977M.
Identifiers: ClinVar variation 935791 (VCV000935791.9), dbSNP rs1316072697, ClinGen allele CA389949249.
Genomic context (GRCh38, chr14:64,091,003, plus strand): 5'-CCAAACAGGAATGAAACCTCTGCCTGTGTTTCAGCGGACAAATCAGCTTTTACAAGATAT[A>G]AAACTATTGGAAAATGTGACTCAAGAACAAAATGAGTTATTAAAGGTAAGCAGTTTCTGA-3'
Protein context (NP_878918.2, residues 3967-3987): FQRTNQLLQD[Ile3977Met]KLLENVTQEQ

ClinVar aggregate classification (germline): Uncertain significance (1 of 4 stars; one submission).

Conditions:
Emery-Dreifuss muscular dystrophy 5, autosomal dominant (EDMD5). Also called: EMERY-DREIFUSS MUSCULAR DYSTROPHY 5. Identifiers: Orphanet 261, MedGen C2751805, MONDO:0013072, OMIM 612999.

Allele frequency attached by ClinVar (database versions not stated): TOPMed below 0.00001.

Submission:

Labcorp Genetics (formerly Invitae), Labcorp
Classification: Uncertain significance for Emery-Dreifuss muscular dystrophy 5, autosomal dominant. Last evaluated: 2019-09-13. Review status: criteria provided, single submitter. Criteria: Invitae Variant Classification Sherloc (09022015). Collection method: clinical testing. Allele origin: germline.
Comment: Algorithms developed to predict the effect of missense changes on protein structure and function are either unavailable or do not agree on the potential impact of this missense change (SIFT: "Tolerated"; PolyPhen-2: "Possibly Damaging"; Align-GVGD: "Class C0"). This sequence change replaces isoleucine with methionine at codon 3977 of the SYNE2 protein (p.Ile3977Met). The isoleucine residue is weakly conserved and there is a small physicochemical difference between isoleucine and methionine. This variant is not present in population databases (ExAC no frequency). This variant has not been reported in the literature in individuals with SYNE2-related conditions. In summary, the available evidence is currently insufficient to determine the role of this variant in disease. Therefore, it has been classified as a Variant of Uncertain Significance.